The following is an entry in ClinVar:

ClinVar aggregate classification (germline): Pathogenic (1 of 4 stars; one submission).

Submission:

Labcorp Genetics (formerly Invitae), Labcorp
Classification: Pathogenic. Last evaluated: 2024-02-16. Review status: criteria provided, single submitter. Criteria: Invitae Variant Classification Sherloc (09022015). Collection method: clinical testing. Allele origin: germline.
Comment: This sequence change creates a premature translational stop signal (p.Asn312Glnfs*18) in the TMC1 gene. It is expected to result in an absent or disrupted protein product. Loss-of-function variants in TMC1 are known to be pathogenic (PMID: 11850618, 22105175). This variant is not present in population databases (gnomAD no frequency). This variant has not been reported in the literature in individuals affected with TMC1-related conditions. Algorithms developed to predict the effect of sequence changes on RNA splicing suggest that this variant may create or strengthen a splice site. For these reasons, this variant has been classified as Pathogenic.

Literature cited by the submitters: PubMed 11850618; PubMed 22105175.

NM_138691.3(TMC1):c.932dup (p.Asn312fs)

Gene: TMC1 (transmembrane channel like 1; plus strand). Cytogenetic location: 9q21.13.
Variant type: Duplication.
Coding change: c.932dup on transcript NM_138691.3 (MANE Select); coding-DNA position 932, one base duplicated (T; older notation c.932dupT).
Protein change: p.Asn312fs; shifts the reading frame from asparagine 312.
Molecular consequence: frameshift variant.
Genome position (GRCh38, 1-based): chr9:72,788,386, T duplicated; the last of 3 consecutive T bases (chr9:72,788,384-72,788,386); duplicating any one gives the same sequence. VCF-style (leftmost placement, unchanged base first): chr9-72788383-C-CT. GRCh37 (hg19) VCF-style: chr9-75403299-C-CT.
Other names: short protein forms N312fs.
Identifiers: ClinVar variation 3701287 (VCV003701287.2).